The following is an entry in ClinVar:

ClinVar aggregate classification (germline): Uncertain significance (1 of 4 stars; one submission).

Allele frequency attached by ClinVar (database versions not stated): gnomAD 0.00015; ExAC 0.00011.
gnomAD v4.1: 106 of 1,551,128 alleles (0.0068%); highest among the groups gnomAD compares: Admixed American, 0.054%; 8 homozygotes.

Submission:

Ambry Genetics
Classification: Uncertain significance. Last evaluated: 2026-05-05. Review status: criteria provided, single submitter. Criteria: Ambry Variant Classification Scheme 2023. Collection method: clinical testing. Allele origin: germline.
Comment: The c.50G>C (p.G17A) alteration is located in exon 1 (coding exon 1) of the PSG4 gene. This alteration results from a G to C substitution at nucleotide position 50, causing the glycine (G) at amino acid position 17 to be replaced by an alanine (A). Based on data from gnomAD, the C allele has an overall frequency of 0.009% (25/271260) total alleles studied. The highest observed frequency was 0.05% (17/34264) of Latino alleles. Based on insufficient or conflicting evidence, the clinical significance of this alteration remains unclear.

NM_002780.5(PSG4):c.50G>C (p.Gly17Ala)

Gene: PSG4 (pregnancy specific beta-1-glycoprotein 4; minus strand). Cytogenetic location: 19q13.31.
Variant type: single nucleotide variant.
Coding change: c.50G>C on transcript NM_002780.5 (MANE Select); coding-DNA position 50, G replaced by C.
Protein change: p.Gly17Ala; replaces glycine 17 with alanine.
Molecular consequence: missense variant.
Genome position (GRCh38, 1-based): chr19:43,205,487, C>G on the plus strand (G>C on the coding strand, the complement: PSG4 is on the minus strand). VCF-style: chr19-43205487-C-G. GRCh37 (hg19) VCF-style: chr19-43709639-C-G.
Other names: c.50G>C, p.Gly17Ala (NM_001276495.2, NM_001316339.2, NM_213633.3); short protein forms G17A.
Identifiers: ClinVar variation 2559868 (VCV002559868.3), dbSNP rs755242696, ClinGen allele CA9484873.